The following is an entry in ClinVar:

ClinVar aggregate classification (germline): Pathogenic/Likely pathogenic. Review status: criteria provided, multiple submitters, no conflicts (2 of 4 stars). 6 submissions from 6 submitters: Pathogenic (4); Likely pathogenic (2). Last evaluated 2025-10-08.

Conditions:
Nemaline myopathy 2 (NEM2). Also called: Nemaline myopathy 2, autosomal recessive. Identifiers: MedGen C1850569, MONDO:0009725, OMIM 256030.
Arthrogryposis multiplex congenita 6. Identifiers: MedGen C5543431, MONDO:0030281, OMIM 619334.
Nemaline myopathy. Also called: Myopathies, Nemaline. Identifiers: Orphanet 607, MedGen C0206157, MONDO:0018958.

Allele frequency attached by ClinVar (database versions not stated): gnomAD exomes 0.00001 and below 0.00001; TOPMed below 0.00001; ExAC 0.00001.
gnomAD v4.1: 7 of 1,604,914 alleles (0.00044%); highest among the groups gnomAD compares: African/African-American, 0.0013%; no homozygotes.

Submissions (6):

Labcorp Genetics (formerly Invitae), Labcorp
Classification: Pathogenic for Nemaline myopathy 2. Last evaluated: 2025-10-08. Review status: criteria provided, single submitter. Criteria: Invitae Variant Classification Sherloc (09022015). Collection method: clinical testing. Allele origin: germline.
Comment: This sequence change affects a donor splice site in intron 108 of the NEB gene. RNA analysis indicates that disruption of this splice site induces altered splicing and may result in an absent or altered protein product. The frequency data for this variant in the population databases is considered unreliable, as metrics indicate poor data quality at this position in the gnomAD database. Disruption of this splice site has been observed in individual(s) with nemaline myopathy (PMID: 22367672). In at least one individual the data is consistent with being in trans (on the opposite chromosome) from a pathogenic variant. ClinVar contains an entry for this variant (Variation ID: 841709). Studies have shown that disruption of this splice site results in skipping of exon 108, and produces a non-functional protein and/or introduces a premature termination codon (PMID: 22367672). For these reasons, this variant has been classified as Pathogenic.

Natera, Inc.
Classification: Likely pathogenic for Nemaline myopathy type 2. Last evaluated: 2024-12-23. Review status: criteria provided, single submitter. Criteria: Natera Variant Classification Schema (03/2026). Collection method: clinical testing. Allele origin: germline.
Comment: The c.17118+1G>A variant in NEB is a canonical splice donor site variant predicted to affect pre-mRNA splicing, which may result in an abnormal transcript and altered protein product. This variant may result in a truncated or dysfunctional protein product. This variant is rare in the general population with a frequency below the threshold expected for the associated phenotype(s). This variant has been observed in one or more individuals affected with the associated recessive disease, as either homozygous or compound heterozygous with a second variant (PMID: 22367672). Functional studies show that this variant may disrupt protein function (PMID: 22367672). Given the available evidence, this variant is classified as Likely Pathogenic.

Women's Health and Genetics/Laboratory Corporation of America, LabCorp
Classification: Pathogenic for Nemaline myopathy. Last evaluated: 2022-01-13. Review status: criteria provided, single submitter. Criteria: LabCorp Variant Classification Summary - May 2015. Collection method: clinical testing. Allele origin: germline.
Comment: Variant summary: NEB c.17118+1G>A is located in a canonical splice-site and is predicted to affect mRNA splicing resulting in a significantly altered protein due to either exon skipping, shortening, or inclusion of intronic material. Several computational tools predict a significant impact on normal splicing: Four predict the variant abolishes a 5 splicing donor site. At least one publication reports experimental evidence that this variant affects mRNA splicing and results in the skipping of exon 108 (Yonath_2012). The variant allele was found at a frequency of 8.4e-06 in 237594 control chromosomes (gnomAD). c.17118+1G>A has been reported in the literature in at least one individual affected with Nemaline Myopathy (Yonath_2012). These data indicate that the variant is very likely to be associated with disease. Two ClinVar submitters (evaluation after 2014) cite the variant as pathogenic. Based on the evidence outlined above, the variant was classified as pathogenic.

Fulgent Genetics
Classification: Pathogenic for Nemaline myopathy 2; Arthrogryposis multiplex congenita 6. Last evaluated: 2021-09-14. Review status: criteria provided, single submitter. Criteria: ACMG Guidelines, 2015. Collection method: clinical testing. Allele origin: unknown.

Revvity Omics, Revvity
Classification: Pathogenic. Last evaluated: 2019-07-08. Review status: criteria provided, single submitter. Criteria: ACMG Guidelines, 2015. Collection method: clinical testing. Allele origin: germline.

Juno Genomics, Hangzhou Juno Genomics, Inc
Classification: Likely pathogenic for Nemaline myopathy 2; Arthrogryposis multiplex congenita 6. Review status: criteria provided, single submitter. Criteria: ACMG Guidelines, 2015. Collection method: clinical testing. Allele origin: germline.
Comment: Absent from controls (or at extremely low frequency if recessive) in Genome Aggregation Database.;Null variant in a gene where loss of function (LOF) is a known mechanism of disease.;For recessive disorders, detected in trans with a pathogenic variant.;Patient's phenotype or family history is highly specific for a disease with a single genetic etiology.

Literature cited by the submitters: PubMed 22367672 (cited by 3 submitters); PubMed 27933661 (cited by Women's Health and Genetics/Laboratory Corporation of America, LabCorp).

NM_001164508.2(NEB):c.17118+1G>A

Gene: NEB (nebulin; minus strand). Cytogenetic location: 2q23.3.
Variant type: single nucleotide variant.
Coding change: c.17118+1G>A on transcript NM_001164508.2 (MANE Select); the canonical splice donor site of the intron after coding-DNA position 17118, G replaced by A.
Molecular consequence: splice donor variant.
Genome position (GRCh38, 1-based): chr2:151,570,496, C>T on the plus strand (G>A on the coding strand, the complement: NEB is on the minus strand). VCF-style: chr2-151570496-C-T. GRCh37 (hg19) VCF-style: chr2-152427010-C-T.
Other names: c.12015+1G>A (NM_004543.5); c.17118+1G>A (NM_001164507.2, NM_001271208.2).
Identifiers: ClinVar variation 841709 (VCV000841709.19), dbSNP rs747946275, ClinGen allele CA1908300.